The following is an entry in ClinVar:

ClinVar aggregate classification (germline): Uncertain significance (1 of 4 stars; one submission).

Conditions:
Cardiovascular phenotype. Identifiers: MedGen CN230736.

Submission:

Ambry Genetics
Classification: Uncertain significance for Cardiovascular phenotype. Last evaluated: 2026-08-31. Review status: criteria provided, single submitter. Criteria: Ambry Variant Classification Scheme 2023. Collection method: clinical testing. Allele origin: germline.
Comment: The c.689+4G>A intronic variant results from a G to A substitution 4 nucleotides after coding exon 12 in the TNNT2 gene. This nucleotide position is not well conserved in available vertebrate species. In silico splice site analysis predicts that this alteration will not have any significant effect on splicing. Based on the available evidence, the clinical significance of this variant remains unclear.

NM_001276345.2(TNNT2):c.719+4G>A

Gene: TNNT2 (troponin T2, cardiac type; minus strand). Cytogenetic location: 1q32.1.
Variant type: single nucleotide variant.
Coding change: c.719+4G>A on transcript NM_001276345.2 (MANE Select); 4 bases into the intron after coding-DNA position 719, G replaced by A.
Molecular consequence: intron variant.
Genome position (GRCh38, 1-based): chr1:201,361,909, C>T on the plus strand (G>A on the coding strand, the complement: TNNT2 is on the minus strand). VCF-style: chr1-201361909-C-T. GRCh37 (hg19) VCF-style: chr1-201331037-C-T.
Other names: c.680+4G>A (NM_001406727.1, NM_001001431.3, NM_001406726.1); c.689+4G>A (NM_001406724.1, NM_001001430.3, NM_001276347.2); c.671+4G>A (NM_001001432.3); c.674+4G>A (NM_001406728.1); c.686+4G>A (NM_001406725.1); c.590+4G>A (NM_001276346.2); c.710+4G>A (NM_000364.4, NM_001406723.1).
Identifiers: ClinVar variation 5030984 (VCV005030984.1).